The following is an entry in ClinVar:

NM_000256.3(MYBPC3):c.3224C>T (p.Thr1075Ile)

Gene: MYBPC3 (myosin binding protein C3; minus strand). Cytogenetic location: 11p11.2.
Variant type: single nucleotide variant.
Coding change: c.3224C>T on transcript NM_000256.3 (MANE Select); coding-DNA position 3224, C replaced by T.
Protein change: p.Thr1075Ile; replaces threonine 1075 with isoleucine.
Molecular consequence: missense variant.
Genome position (GRCh38, 1-based): chr11:47,333,300, G>A on the plus strand (C>T on the coding strand, the complement: MYBPC3 is on the minus strand). VCF-style: chr11-47333300-G-A. GRCh37 (hg19) VCF-style: chr11-47354851-G-A.
Other names: short protein forms T1075I.
Identifiers: ClinVar variation 684799 (VCV000684799.8), dbSNP rs150786409, ClinGen allele CA380314424.

ClinVar aggregate classification (germline): Conflicting classifications of pathogenicity. Review status: criteria provided, conflicting classifications (1 of 4 stars). 4 submissions from 4 submitters: Uncertain significance (3); Likely benign (1). Last evaluated 2026-08-06.

Conditions:
Cardiomyopathy (CMYO). Also called: Cardiomyopathies. Identifiers: Orphanet 167848, MedGen C0878544, MONDO:0004994, HP:0001638. Inheritance: Various modes of inheritance.
Cardiovascular phenotype. Identifiers: MedGen CN230736.
Hypertrophic cardiomyopathy. Also called: HYPERTROPHIC MYOCARDIOPATHY. Identifiers: Orphanet 217569, MedGen C0007194, MeSH D002312, MONDO:0005045, HP:0001639.

gnomAD v4.1: 11 of 1,590,060 alleles (0.00069%); highest among the groups gnomAD compares: Non-Finnish European, 0.00094%; no homozygotes.

Submissions (4):

Ambry Genetics
Classification: Likely benign for Cardiovascular phenotype. Last evaluated: 2026-08-06. Review status: criteria provided, single submitter. Criteria: Ambry Variant Classification Scheme 2023. Collection method: clinical testing. Allele origin: germline.

All of Us Research Program, National Institutes of Health
Classification: Uncertain significance for Hypertrophic cardiomyopathy. Last evaluated: 2024-08-29. Review status: criteria provided, single submitter. Criteria: ACMG Guidelines, 2015. Collection method: clinical testing. Allele origin: germline. Inheritance: Autosomal dominant inheritance. Observed: 1 variant allele, 1 heterozygote.
Comment: This missense variant replaces threonine with isoleucine at codon 1075 of the MYBPC3 protein. Computational prediction suggests that this variant may not impact protein structure and function (internally defined REVEL score threshold <= 0.5, PMID: 27666373). To our knowledge, functional studies have not been reported for this variant. This variant has not been reported in individuals affected with cardiovascular disorders in the literature. This variant has not been identified in the general population by the Genome Aggregation Database (gnomAD). The available evidence is insufficient to determine the role of this variant in disease conclusively. Therefore, this variant is classified as a Variant of Uncertain Significance.

This study involves interpretation of variants in research participants for the purpose of population health screening. Participant phenotype was not available at the time of variant classification. Additional details can be found in publication PMID: 35346344, PMCID: PMC8962531

Color Diagnostics, LLC DBA Color Health
Classification: Uncertain significance for Cardiomyopathy. Last evaluated: 2024-03-06. Review status: criteria provided, single submitter. Criteria: ACMG Guidelines, 2015. Collection method: clinical testing. Allele origin: germline.
Comment: This missense variant replaces threonine with isoleucine at codon 1075 of the MYBPC3 protein. Computational prediction suggests that this variant may not impact protein structure and function (internally defined REVEL score threshold <= 0.5, PMID: 27666373). To our knowledge, functional studies have not been reported for this variant. This variant has not been reported in individuals affected with cardiovascular disorders in the literature. This variant has not been identified in the general population by the Genome Aggregation Database (gnomAD). The available evidence is insufficient to determine the role of this variant in disease conclusively. Therefore, this variant is classified as a Variant of Uncertain Significance.

Molecular Diagnostic Laboratory for Inherited Cardiovascular Disease, Montreal Heart Institute
Classification: Uncertain significance. Review status: criteria provided, single submitter. Criteria: ACMG Guidelines, 2015. Collection method: clinical testing. Allele origin: germline. Affected: yes.